The following is an entry in ClinVar:

NM_001621.5(AHR):c.2302G>T (p.Ala768Ser)

Gene: AHR (aryl hydrocarbon receptor; plus strand). Cytogenetic location: 7p21.1.
Variant type: single nucleotide variant.
Coding change: c.2302G>T on transcript NM_001621.5 (MANE Select); coding-DNA position 2302, G replaced by T.
Protein change: p.Ala768Ser; replaces alanine 768 with serine.
Molecular consequence: missense variant.
Genome position (GRCh38, 1-based): chr7:17,340,127, G>T. VCF-style: chr7-17340127-G-T. GRCh37 (hg19) VCF-style: chr7-17379751-G-T.
Other names: short protein forms A768S.
Identifiers: ClinVar variation 1904093 (VCV001904093.4), dbSNP rs1451960213, ClinGen allele CA366896833.
Genomic context (GRCh38, chr7:17,340,127, plus strand): 5'-CAAAAGCATGGATTAAATCCACAGTCAGCCATAATAACTCCTCAGACATGTTATGCTGGG[G>T]CCGTGTCGATGTATCAGTGCCAGCCAGAACCTCAGCACACCCACGTGGGTCAGATGCAGT-3'
Protein context (NP_001612.1, residues 758-778): IITPQTCYAG[Ala768Ser]VSMYQCQPEP

ClinVar aggregate classification (germline): Uncertain significance (1 of 4 stars; one submission).

Allele frequency attached by ClinVar (database versions not stated): TOPMed below 0.00001; gnomAD 0.00001; gnomAD exomes 0.00001.
gnomAD v4.1: 11 of 1,614,002 alleles (0.00068%); highest among the groups gnomAD compares: African/African-American, 0.0013%; no homozygotes.

Submission:

Labcorp Genetics (formerly Invitae), Labcorp
Classification: Uncertain significance. Last evaluated: 2022-02-27. Review status: criteria provided, single submitter. Criteria: Invitae Variant Classification Sherloc (09022015). Collection method: clinical testing. Allele origin: germline.
Comment: In summary, the available evidence is currently insufficient to determine the role of this variant in disease. Therefore, it has been classified as a Variant of Uncertain Significance. This sequence change replaces alanine, which is neutral and non-polar, with serine, which is neutral and polar, at codon 768 of the AHR protein (p.Ala768Ser). This variant is present in population databases (no rsID available, gnomAD 0.01%). This variant has not been reported in the literature in individuals affected with AHR-related conditions. Algorithms developed to predict the effect of missense changes on protein structure and function output the following: SIFT: "Deleterious"; PolyPhen-2: "Benign"; Align-GVGD: "Class C0". The serine amino acid residue is found in multiple mammalian species, which suggests that this missense change does not adversely affect protein function.